The following is an entry in ClinVar:

ClinVar aggregate classification (germline): Uncertain significance (1 of 4 stars; one submission).

Submission:

Labcorp Genetics (formerly Invitae), Labcorp
Classification: Uncertain significance. Last evaluated: 2022-03-17. Review status: criteria provided, single submitter. Criteria: Invitae Variant Classification Sherloc (09022015). Collection method: clinical testing. Allele origin: germline.
Comment: In summary, the available evidence is currently insufficient to determine the role of this variant in disease. Therefore, it has been classified as a Variant of Uncertain Significance. Advanced modeling of protein sequence and biophysical properties (such as structural, functional, and spatial information, amino acid conservation, physicochemical variation, residue mobility, and thermodynamic stability) performed at Invitae indicates that this missense variant is not expected to disrupt FAT4 protein function. This variant has not been reported in the literature in individuals affected with FAT4-related conditions. This variant is not present in population databases (gnomAD no frequency). This sequence change replaces serine, which is neutral and polar, with asparagine, which is neutral and polar, at codon 4127 of the FAT4 protein (p.Ser4127Asn).

NM_001291303.3(FAT4):c.12386G>A (p.Ser4129Asn)

Gene: FAT4 (FAT atypical cadherin 4; plus strand). Cytogenetic location: 4q28.1.
Variant type: single nucleotide variant.
Coding change: c.12386G>A on transcript NM_001291303.3 (MANE Select); coding-DNA position 12386, G replaced by A.
Protein change: p.Ser4129Asn; replaces serine 4129 with asparagine.
Molecular consequence: missense variant.
Genome position (GRCh38, 1-based): chr4:125,477,241, G>A. VCF-style: chr4-125477241-G-A. GRCh37 (hg19) VCF-style: chr4-126398396-G-A.
Other names: c.12386G>A, p.Ser4129Asn (NM_001291285.3); c.12380G>A, p.Ser4127Asn (NM_024582.6); short protein forms S4129N, S4127N.
Identifiers: ClinVar variation 2111789 (VCV002111789.4), dbSNP rs891178992, ClinGen allele CA104865178.